The following is an entry in ClinVar:

NM_000018.4(ACADVL):c.329C>T (p.Ser110Phe)

Gene: ACADVL (acyl-CoA dehydrogenase very long chain; plus strand). Cytogenetic location: 17p13.1.
Variant type: single nucleotide variant.
Coding change: c.329C>T on transcript NM_000018.4 (MANE Select); coding-DNA position 329, C replaced by T.
Protein change: p.Ser110Phe; replaces serine 110 with phenylalanine.
Molecular consequence: missense variant.
Genome position (GRCh38, 1-based): chr17:7,220,817, C>T. VCF-style: chr17-7220817-C-T. GRCh37 (hg19) VCF-style: chr17-7124136-C-T.
Other names: c.263C>T, p.Ser88Phe (NM_001033859.3); c.398C>T, p.Ser133Phe (NM_001270447.2); c.101C>T, p.Ser34Phe (NM_001270448.2); short protein forms S110F, S88F, S133F, S34F.
Identifiers: ClinVar variation 932745 (VCV000932745.4), dbSNP rs757608507, ClinGen allele CA397722598.
Genomic context (GRCh38, chr17:7,220,817, plus strand): 5'-CCTCTGCAGTGCTCAACGAAGAGCAGACACAGTTTCTTAAAGAGCTGGTGGAGCCTGTGT[C>T]CCGTTTCTTCGAGGTAAGGAATGACTCGGGGCTTGGTCCCTGGTGAGGTGTTTGGAGATG-3'
Protein context (NP_000009.1, residues 100-120): QFLKELVEPV[Ser110Phe]RFFEEVNDPA

ClinVar aggregate classification (germline): Uncertain significance. Review status: criteria provided, multiple submitters, no conflicts (2 of 4 stars). 2 submissions from 2 submitters: Uncertain significance (2). Last evaluated 2022-08-01.

Conditions:
Very long chain acyl-CoA dehydrogenase deficiency (ACADVLD). Also called: Very Long-Chain Acyl-Coenzyme A Dehydrogenase Deficiency; VLCAD Deficiency. Identifiers: Orphanet 26793, MedGen C3887523, MONDO:0008723, OMIM 201475.

gnomAD v4.1: 2 of 1,614,046 alleles (0.00012%); highest among the groups gnomAD compares: Middle Eastern, 0.016%; no homozygotes.

Submissions (2):

Labcorp Genetics (formerly Invitae), Labcorp
Classification: Uncertain significance for Very long chain acyl-CoA dehydrogenase deficiency. Last evaluated: 2022-08-01. Review status: criteria provided, single submitter. Criteria: Invitae Variant Classification Sherloc (09022015). Collection method: clinical testing. Allele origin: germline.
Comment: This sequence change replaces serine, which is neutral and polar, with phenylalanine, which is neutral and non-polar, at codon 110 of the ACADVL protein (p.Ser110Phe). This variant is present in population databases (no rsID available, gnomAD 0.006%). This variant has not been reported in the literature in individuals affected with ACADVL-related conditions. ClinVar contains an entry for this variant (Variation ID: 932745). Algorithms developed to predict the effect of missense changes on protein structure and function are either unavailable or do not agree on the potential impact of this missense change (SIFT: "Deleterious"; PolyPhen-2: "Benign"; Align-GVGD: "Class C0"). In summary, the available evidence is currently insufficient to determine the role of this variant in disease. Therefore, it has been classified as a Variant of Uncertain Significance.

Wong Mito Lab, Molecular and Human Genetics, Baylor College of Medicine
Classification: Uncertain significance for Very long chain acyl-CoA dehydrogenase deficiency. Last evaluated: 2019-11-01. Review status: criteria provided, single submitter. Criteria: ACMG Guidelines, 2015. Collection method: clinical testing. Allele origin: germline.
Comment: The NM_000018.3:c.329C>T (NP_000009.1:p.Ser110Phe) [GRCH38: NC_000017.11:g.7220817C>T] variant in ACADVL gene is interpretated to be Uncertain Significance based on ACMG guidelines (PMID: 25741868). This variant has been reported. This variant meets the following evidence codes reported in the ACMG guidelines: PP3